The following is an entry in ClinVar:

NC_000004.11:g.(?_186064502)_(187630981_?)dup

Genes: CFAP96 (cilia and flagella associated protein 96; plus strand), ANKRD37 (ankyrin repeat domain 37; plus strand), CCDC110 (coiled-coil domain containing 110; minus strand), CFAP97 (cilia and flagella associated protein 97; minus strand), CYP4V2 (cytochrome P450 family 4 subfamily V member 2; plus strand) and 12 more. Cytogenetic location: 4q35.1-35.2.
Variant type: Duplication.
Identifiers: ClinVar variation 3246717 (VCV003246717.1).

ClinVar aggregate classification (germline): Uncertain significance (1 of 4 stars; one submission).

Submission:

Labcorp Genetics (formerly Invitae), Labcorp
Classification: Uncertain significance. Last evaluated: 2024-01-25. Review status: criteria provided, single submitter. Criteria: Invitae Variant Classification Sherloc (09022015). Collection method: clinical testing. Allele origin: unknown.
Comment: A copy number gain of the genomic region encompassing the full coding sequence of the SLC25A4 gene has been identified. The boundaries of this event are unknown as they extend beyond the assayed region for this gene and therefore may encompass additional genes. As the precise location of this event is unknown, it may be in tandem or it may be located elsewhere in the genome. This variant has not been reported in the literature in individuals affected with SLC25A4-related conditions. In summary, the available evidence is currently insufficient to determine the role of this variant in disease. Therefore, it has been classified as a Variant of Uncertain Significance.